The following is an entry in ClinVar:

ClinVar aggregate classification (germline): Uncertain significance. Review status: criteria provided, multiple submitters, no conflicts (2 of 4 stars). 2 submissions from 2 submitters: Uncertain significance (2). Last evaluated 2026-08-05.

Conditions:
Paroxysmal nonkinesigenic dyskinesia. Also called: Paroxysmal non-kinesigenic dyskinesia. Identifiers: Orphanet 98810, MedGen C1869117, MONDO:0700088.
Inborn genetic diseases. Identifiers: MedGen C0950123, MeSH D030342.

Allele frequency attached by ClinVar (database versions not stated): TOPMed 0.00005; gnomAD 0.00001; gnomAD exomes 0.00002.
gnomAD v4.1: 21 of 1,028,576 alleles (0.002%); highest among the groups gnomAD compares: African/African-American, 0.0033%; no homozygotes.

Submissions (2):

Ambry Genetics
Classification: Uncertain significance for Inborn genetic diseases. Last evaluated: 2026-08-05. Review status: criteria provided, single submitter. Criteria: Ambry Variant Classification Scheme 2023. Collection method: clinical testing. Allele origin: germline.

Labcorp Genetics (formerly Invitae), Labcorp
Classification: Uncertain significance for Paroxysmal nonkinesigenic dyskinesia. Last evaluated: 2025-02-12. Review status: criteria provided, single submitter. Criteria: Invitae Variant Classification Sherloc (09022015). Collection method: clinical testing. Allele origin: germline.
Comment: This sequence change replaces arginine, which is basic and polar, with glutamine, which is neutral and polar, at codon 22 of the PNKD protein (p.Arg22Gln). This variant is not present in population databases (gnomAD no frequency). This missense change has been observed in individual(s) with clinical features of PNKD-related conditions (PMID: 10612827). ClinVar contains an entry for this variant (Variation ID: 241061). An algorithm developed to predict the effect of missense changes on protein structure and function (PolyPhen-2) suggests that this variant is likely to be tolerated. In summary, the available evidence is currently insufficient to determine the role of this variant in disease. Therefore, it has been classified as a Variant of Uncertain Significance.

Literature cited by the submitters: PubMed 10612827 (cited by Labcorp Genetics (formerly Invitae), Labcorp).

NM_015488.5(PNKD):c.65G>A (p.Arg22Gln)

Genes: PNKD (PNKD metallo-beta-lactamase domain containing; plus strand), LOC129935594 (ATAC-STARR-seq lymphoblastoid active region 17117; plus strand). Cytogenetic location: 2q35.
Variant type: single nucleotide variant.
Coding change: c.65G>A on transcript NM_015488.5 (MANE Select); coding-DNA position 65, G replaced by A.
Protein change: p.Arg22Gln; replaces arginine 22 with glutamine.
Molecular consequence: missense variant.
Genome position (GRCh38, 1-based): chr2:218,270,600, G>A. VCF-style: chr2-218270600-G-A. GRCh37 (hg19) VCF-style: chr2-219135323-G-A.
Other names: c.65G>A, p.Arg22Gln (NM_001077399.3); short protein forms R22Q.
Identifiers: ClinVar variation 241061 (VCV000241061.15), dbSNP rs878855015, ClinGen allele CA10581945.